The following is an entry in ClinVar:

ClinVar aggregate classification (germline): Uncertain significance. Review status: criteria provided, multiple submitters, no conflicts (2 of 4 stars). 2 submissions from 2 submitters: Uncertain significance (2). Last evaluated 2022-11-14.

Conditions:
Hereditary cancer-predisposing syndrome. Also called: Neoplastic Syndromes, Hereditary; Tumor predisposition; Hereditary Cancer Syndrome; Hereditary neoplastic syndrome. Identifiers: Orphanet 140162, MedGen C0027672, MeSH D009386, MONDO:0015356.
Bloom syndrome (BLM). Also called: Bloom-Torre-Machacek syndrome. Identifiers: Orphanet 125, MedGen C0005859, MONDO:0008876, OMIM 210900.

Submissions (2):

Labcorp Genetics (formerly Invitae), Labcorp
Classification: Uncertain significance for Bloom syndrome. Last evaluated: 2022-11-14. Review status: criteria provided, single submitter. Criteria: Invitae Variant Classification Sherloc (09022015). Collection method: clinical testing. Allele origin: germline.
Comment: In summary, the available evidence is currently insufficient to determine the role of this variant in disease. Therefore, it has been classified as a Variant of Uncertain Significance. Algorithms developed to predict the effect of missense changes on protein structure and function (SIFT, PolyPhen-2, Align-GVGD) all suggest that this variant is likely to be tolerated. This variant has not been reported in the literature in individuals affected with BLM-related conditions. This variant is not present in population databases (gnomAD no frequency). This sequence change replaces glycine, which is neutral and non-polar, with alanine, which is neutral and non-polar, at codon 241 of the BLM protein (p.Gly241Ala).

Ambry Genetics
Classification: Uncertain significance for Hereditary cancer-predisposing syndrome. Last evaluated: 2021-09-08. Review status: criteria provided, single submitter. Criteria: Ambry Variant Classification Scheme 2023. Collection method: clinical testing. Allele origin: germline.
Comment: The p.G241A variant (also known as c.722G>C), located in coding exon 2 of the BLM gene, results from a G to C substitution at nucleotide position 722. The glycine at codon 241 is replaced by alanine, an amino acid with similar properties. This amino acid position is conserved. In addition, this alteration is predicted to be tolerated by in silico analysis. Since supporting evidence is limited at this time, the clinical significance of this alteration remains unclear.

NM_000057.4(BLM):c.722G>C (p.Gly241Ala)

Gene: BLM (BLM RecQ like helicase; plus strand). Cytogenetic location: 15q26.1.
Variant type: single nucleotide variant.
Coding change: c.722G>C on transcript NM_000057.4 (MANE Select); coding-DNA position 722, G replaced by C.
Protein change: p.Gly241Ala; replaces glycine 241 with alanine.
Molecular consequence: missense variant. On other transcripts: 5 prime UTR variant (1).
Genome position (GRCh38, 1-based): chr15:90,749,990, G>C. VCF-style: chr15-90749990-G-C. GRCh37 (hg19) VCF-style: chr15-91293220-G-C.
Other names: c.722G>C, p.Gly241Ala (NM_001287246.2, NM_001287247.2); c.-570G>C (NM_001287248.2); short protein forms G241A.
Identifiers: ClinVar variation 1757812 (VCV001757812.5), dbSNP rs200897029, ClinGen allele CA393841420.